The following is an entry in ClinVar:

NM_000152.5(GAA):c.2467A>T (p.Ile823Phe)

Gene: GAA (alpha glucosidase; plus strand). Cytogenetic location: 17q25.3.
Variant type: single nucleotide variant.
Coding change: c.2467A>T on transcript NM_000152.5 (MANE Select); coding-DNA position 2467, A replaced by T.
Protein change: p.Ile823Phe; replaces isoleucine 823 with phenylalanine.
Molecular consequence: missense variant.
Genome position (GRCh38, 1-based): chr17:80,117,735, A>T. VCF-style: chr17-80117735-A-T. GRCh37 (hg19) VCF-style: chr17-78091534-A-T.
Other names: NM_000152.5(GAA):c.2467A>T; p.Ile823Phe; c.2467A>T (LRG_673t1); c.2467A>T, p.Ile823Phe (NM_001079803.3, NM_001079804.3); short protein forms I823F.
Identifiers: ClinVar variation 456406 (VCV000456406.11), dbSNP rs758038288, ClinGen allele CA401325518.
Genomic context (GRCh38, chr17:80,117,735, plus strand): 5'-CAGTGGGTGACGCTGCCGGCCCCCCTGGACACCATCAACGTCCACCTCCGGGCTGGGTAC[A>T]TCATCCCCCTGCAGGTACCTGGGCCAGGCGGCTATGGTGGGGGTGTGGACAGCACACTGC-3'
Protein context (NP_000143.2, residues 813-833): TINVHLRAGY[Ile823Phe]IPLQGPGLTT

ClinVar aggregate classification (germline): Uncertain significance. Review status: reviewed by expert panel (3 of 4 stars). 6 submissions from 6 submitters: Uncertain significance (1). 5 of the submissions do not count toward it. Last evaluated 2025-06-17.

Conditions:
Glycogen storage disease, type II (IOPD). Also called: Glycogen storage disease type 2; Acid maltase deficiency disease; Aglucosidase alfa; Deficiency of alpha-glucosidase; Deficiency of lysosomal alpha-glucosidase; CARDIOMEGALIA GLYCOGENICA DIFFUSA. Identifiers: Orphanet 365, MedGen C0017921, MONDO:0009290, OMIM 232300.

Allele frequency attached by ClinVar (database versions not stated): TOPMed 0.00001.
gnomAD v4.1: 2 of 1,610,278 alleles (0.00012%); highest among the groups gnomAD compares: Non-Finnish European, 0.00017%; no homozygotes.

Submissions (6):

ClinGen Lysosomal Storage Disorder Variant Curation Expert Panel
Classification: Uncertain significance for Glycogen storage disease, type II. Last evaluated: 2025-06-17. Review status: reviewed by expert panel. Criteria: clingen_lsd_acmg_specifications_v2-1. Collection method: curation. Allele origin: germline. Inheritance: Autosomal recessive inheritance.
Comment: The NM_000152.5:c.2467A>T variant in GAA is a missense variant predicted to cause substitution of isoleucine by phenylalanine at amino acid 823 (p.Ile823Phe). The highest population minor allele frequency in gnomAD v4.1.0. is 0.000002 (2/1179156 alleles) in the European, non-Finnish population, which is lower than the ClinGen Lysosomal Diseases VCEP’s threshold for PM2_Supporting (<0.001), meeting this criterion (PM2_Supporting). The computational predictor REVEL gives a score of 0.918 which is above the threshold of 0.7, evidence that correlates with impact to GAA function (PP3). Although this variant has been identified in several individuals with low GAA activity on newborn screen, it not been reported in any symptomatic individuals diagnosed with Pompe disease and, as such, there is insufficient data to apply PM3 and PP4. There is a ClinVar entry for this variant (Variation ID: 456406). In summary, this variant meets the criteria to be classified as a Variant of Uncertain Significance for Pompe disease. GAA-specific ACMG/AMP criteria met, based on the specifications of the ClinGen Lysosomal Diseases VCEP (Specifications Version 2.0): PP2, PM2_Supporting. (Classification approved by the ClinGen Lysosomal Diseases Variant Curation Expert Panel on June 17, 2025)

Genomenon, Inc
Classification: Uncertain significance for Glycogen storage disease, type II. Last evaluated: 2026-07-01. Review status: criteria provided, single submitter. Criteria: Genomenon Sequence Variant Interpretation Standards - Updated. Collection method: curation. Allele origin: germline. Affected: no. Not counted in ClinVar's aggregate classification.
Comment: GAA p.Ile823Phe (c.2467A>T) is a missense variant that changes the amino acid at codon 823 from Isoleucine to Phenylalanine. This variant has been reported in the published literature (PMID:40136631;33202836). It is absent or not present at a significant frequency in gnomAD. In silico models predict that this variant is possibly or probably damaging. In conclusion, we classify GAA p.Ile823Phe (c.2467A>T) as a variant of uncertain significance.

Labcorp Genetics (formerly Invitae), Labcorp
Classification: Uncertain significance for Glycogen storage disease, type II. Last evaluated: 2024-11-04. Review status: criteria provided, single submitter. Criteria: Invitae Variant Classification Sherloc (09022015). Collection method: clinical testing. Allele origin: germline. Not counted in ClinVar's aggregate classification.
Comment: This sequence change replaces isoleucine, which is neutral and non-polar, with phenylalanine, which is neutral and non-polar, at codon 823 of the GAA protein (p.Ile823Phe). This variant is present in population databases (no rsID available, gnomAD 0.0009%). This missense change has been observed in individual(s) with a positive newborn screening result for GAA-related disease (PMID: 33202836). ClinVar contains an entry for this variant (Variation ID: 456406). Invitae Evidence Modeling of protein sequence and biophysical properties (such as structural, functional, and spatial information, amino acid conservation, physicochemical variation, residue mobility, and thermodynamic stability) indicates that this missense variant is expected to disrupt GAA protein function with a positive predictive value of 95%. In summary, the available evidence is currently insufficient to determine the role of this variant in disease. Therefore, it has been classified as a Variant of Uncertain Significance.

GeneDx
Classification: Uncertain significance. Last evaluated: 2023-05-03. Review status: criteria provided, single submitter. Criteria: GeneDx Variant Classification Process June 2021. Collection method: clinical testing. Allele origin: germline. Affected: yes. Not counted in ClinVar's aggregate classification.
Comment: Not observed at significant frequency in large population cohorts (gnomAD); In silico analysis supports that this missense variant has a deleterious effect on protein structure/function; This variant is associated with the following publications: (PMID: 22253258, 19343043, 33202836)

Revvity Omics, Revvity
Classification: Uncertain significance. Last evaluated: 2023-03-20. Review status: criteria provided, single submitter. Criteria: ACMG Guidelines, 2015. Collection method: clinical testing. Allele origin: germline. Not counted in ClinVar's aggregate classification.

Natera, Inc.
Classification: Uncertain significance for Glycogen storage disease type II. Last evaluated: 2020-09-16. Review status: no assertion criteria provided. Collection method: clinical testing. Allele origin: germline. Not counted in ClinVar's aggregate classification.

Literature cited by the submitters: PubMed 40136631 (cited by Genomenon, Inc); PubMed 33202836 (cited by Genomenon, Inc and Labcorp Genetics (formerly Invitae), Labcorp).